The following is an entry in ClinVar:

NM_177990.4(PAK5):c.390G>A (p.Gln130=)

Gene: PAK5 (p21 (RAC1) activated kinase 5; minus strand). Cytogenetic location: 20p12.2.
Variant type: single nucleotide variant.
Coding change: c.390G>A on transcript NM_177990.4 (MANE Select); coding-DNA position 390, G replaced by A.
Protein change: p.Gln130=; no amino-acid change (glutamine 130 retained).
Molecular consequence: synonymous variant.
Genome position (GRCh38, 1-based): chr20:9,580,745, C>T on the plus strand (G>A on the coding strand, the complement: PAK5 is on the minus strand). VCF-style: chr20-9580745-C-T. GRCh37 (hg19) VCF-style: chr20-9561392-C-T.
Other names: c.390G>A, p.Gln130= (NM_020341.5).
Identifiers: ClinVar variation 2652201 (VCV002652201.24), dbSNP rs199607339, ClinGen allele CA9762550.

ClinVar aggregate classification (germline): Likely benign (1 of 4 stars; one submission).

Allele frequency attached by ClinVar (database versions not stated): ESP Exome Variant Server 0.00031; 1000 Genomes Project 0.00040; 1000 Genomes Project 30x 0.00047; TOPMed 0.00056; gnomAD exomes 0.00066; ExAC 0.00072; gnomAD 0.00082.
gnomAD v4.1: 1,086 of 1,613,986 alleles (0.067%); highest among the groups gnomAD compares: Non-Finnish European, 0.078%; 8 homozygotes.

Submission:

CeGaT Center for Human Genetics Tuebingen
Classification: Likely benign. Last evaluated: 2022-11-01. Review status: criteria provided, single submitter. Criteria: CeGaT Center For Human Genetics Tuebingen Variant Classification Criteria Version 2. Collection method: clinical testing. Allele origin: germline. Affected: yes. Observed: 2 variant alleles.
Comment: PAK5: BP4, BP7